The following is an entry in ClinVar:

ClinVar aggregate classification (germline): Pathogenic/Likely pathogenic. Review status: criteria provided, multiple submitters, no conflicts (2 of 4 stars). 4 submissions from 4 submitters: Pathogenic (1); Likely pathogenic (3). Last evaluated 2025-11-03.

Conditions:
Autosomal recessive nonsyndromic hearing loss 77. Identifiers: Orphanet 90636, MedGen C2746083, MONDO:0013119, OMIM 613079.
LOXHD1-related disorder. Also called: LOXHD1-related condition.

Allele frequency attached by ClinVar (database versions not stated): gnomAD 0.00001; gnomAD exomes 0.00001; TOPMed 0.00001; ExAC 0.00004.
gnomAD v4.1: 12 of 1,552,066 alleles (0.00077%); highest among the groups gnomAD compares: Non-Finnish European, 0.001%; no homozygotes.

Submissions (4):

Natera, Inc.
Classification: Likely pathogenic for Autosomal recessive deafness type 77. Last evaluated: 2025-11-03. Review status: criteria provided, single submitter. Criteria: Natera Variant Classification Schema (03/2026). Collection method: clinical testing. Allele origin: germline.
Comment: The c.246-2A>G variant in LOXHD1 is a canonical splice acceptor site variant predicted to affect pre-mRNA splicing, which may result in an abnormal transcript and altered protein product. This variant may result in a truncated or dysfunctional protein product. This variant is rare in the general population with a frequency below the threshold expected for the associated phenotype(s). Another variant at this same site results in an alteration predicted to cause a similar molecular effect has been observed in individual(s) with the associated phenotype. Given the available evidence, this variant is classified as Likely Pathogenic.

Labcorp Genetics (formerly Invitae), Labcorp
Classification: Pathogenic. Last evaluated: 2025-01-27. Review status: criteria provided, single submitter. Criteria: Invitae Variant Classification Sherloc (09022015). Collection method: clinical testing. Allele origin: germline.
Comment: This sequence change affects an acceptor splice site in intron 2 of the LOXHD1 gene. It is expected to disrupt RNA splicing. Variants that disrupt the donor or acceptor splice site typically lead to a loss of protein function (PMID: 16199547), and loss-of-function variants in LOXHD1 are known to be pathogenic (PMID: 19732867, 21465660, 25792669). This variant is present in population databases (rs763062406, gnomAD 0.003%). Disruption of this splice site has been observed in individual(s) with nonsyndromic deafness (PMID: 31547530). In at least one individual the data is consistent with being in trans (on the opposite chromosome) from a pathogenic variant. It has also been observed to segregate with disease in related individuals. ClinVar contains an entry for this variant (Variation ID: 944718). Algorithms developed to predict the effect of sequence changes on RNA splicing suggest that this variant may disrupt the consensus splice site. For these reasons, this variant has been classified as Pathogenic.

Blueprint Genetics
Classification: Likely pathogenic for LOXHD1-related disorders. Last evaluated: 2024-06-04. Review status: criteria provided, single submitter. Criteria: ACMG Guidelines, 2015. Collection method: clinical testing. Allele origin: germline. Affected: yes. Observed: 3 variant alleles.

Fulgent Genetics
Classification: Likely pathogenic for Autosomal recessive nonsyndromic hearing loss 77. Last evaluated: 2022-03-10. Review status: criteria provided, single submitter. Criteria: ACMG Guidelines, 2015. Collection method: clinical testing. Allele origin: unknown.

Literature cited by the submitters: PubMed 16199547 (cited by Labcorp Genetics (formerly Invitae), Labcorp); PubMed 19732867 (cited by Labcorp Genetics (formerly Invitae), Labcorp); PubMed 21465660 (cited by Labcorp Genetics (formerly Invitae), Labcorp); PubMed 25792669 (cited by Labcorp Genetics (formerly Invitae), Labcorp); PubMed 31547530 (cited by Labcorp Genetics (formerly Invitae), Labcorp).

NM_001384474.1(LOXHD1):c.246-2A>G

Gene: LOXHD1 (lipoxygenase homology PLAT domains 1; minus strand). Cytogenetic location: 18q21.1.
Variant type: single nucleotide variant.
Coding change: c.246-2A>G on transcript NM_001384474.1 (MANE Select); the canonical splice acceptor site of the intron before coding-DNA position 246, A replaced by G.
Molecular consequence: splice acceptor variant.
Genome position (GRCh38, 1-based): chr18:46,642,038, T>C on the plus strand (A>G on the coding strand, the complement: LOXHD1 is on the minus strand). VCF-style: chr18-46642038-T-C. GRCh37 (hg19) VCF-style: chr18-44222001-T-C.
Other names: c.246-2A>G (NM_144612.7).
Identifiers: ClinVar variation 944718 (VCV000944718.12), dbSNP rs763062406, ClinGen allele CA8952942.